The following is an entry in ClinVar:

ClinVar aggregate classification (germline): Uncertain significance (1 of 4 stars; one submission).

Conditions:
Hypotonia, infantile, with psychomotor retardation and characteristic facies 1 (INNFD). Identifiers: Orphanet 371364, Orphanet 700336, MedGen C3809454, MONDO:0024567, OMIM 615419.
Congenital contractures of the limbs and face, hypotonia, and developmental delay (CLIFAHDD). Identifiers: Orphanet 562528, MedGen C4225398, MONDO:0014556, OMIM 616266.

Allele frequency attached by ClinVar (database versions not stated): TOPMed below 0.00001; gnomAD exomes below 0.00001.
gnomAD v4.1: 8 of 1,613,698 alleles (0.0005%); highest among the groups gnomAD compares: East Asian, 0.0022%; no homozygotes.

Submission:

Labcorp Genetics (formerly Invitae), Labcorp
Classification: Uncertain significance. Last evaluated: 2024-10-22. Review status: criteria provided, single submitter. Criteria: Invitae Variant Classification Sherloc (09022015). Collection method: clinical testing. Allele origin: germline.
Comment: This sequence change falls in intron 9 of the NALCN gene. It does not directly change the encoded amino acid sequence of the NALCN protein. It affects a nucleotide within the consensus splice site. This variant is present in population databases (no rsID available, gnomAD 0.006%). This variant has not been reported in the literature in individuals affected with NALCN-related conditions. ClinVar contains an entry for this variant (Variation ID: 2420324). Variants that disrupt the consensus splice site are a relatively common cause of aberrant splicing (PMID: 17576681, 9536098). Algorithms developed to predict the effect of sequence changes on RNA splicing suggest that this variant is not likely to affect RNA splicing. In summary, the available evidence is currently insufficient to determine the role of this variant in disease. Therefore, it has been classified as a Variant of Uncertain Significance.

Literature cited by the submitters: PubMed 17576681 (cited by Labcorp Genetics (formerly Invitae), Labcorp); PubMed 9536098 (cited by Labcorp Genetics (formerly Invitae), Labcorp).

NM_052867.4(NALCN):c.1047+5G>A

Gene: NALCN (sodium leak channel, non-selective; minus strand). Cytogenetic location: 13q33.1.
Variant type: single nucleotide variant.
Coding change: c.1047+5G>A on transcript NM_052867.4 (MANE Select); 5 bases into the intron after coding-DNA position 1047, G replaced by A.
Molecular consequence: intron variant.
Genome position (GRCh38, 1-based): chr13:101,291,985, C>T on the plus strand (G>A on the coding strand, the complement: NALCN is on the minus strand). VCF-style: chr13-101291985-C-T. GRCh37 (hg19) VCF-style: chr13-101944336-C-T.
Other names: c.1047+5G>A (NM_001350751.2, NM_001350749.2, NM_001350750.2 and 1 more transcripts).
Identifiers: ClinVar variation 2420324 (VCV002420324.7), dbSNP rs1457231022, ClinGen allele CA612040126.